The following is an entry in ClinVar:

ClinVar aggregate classification (germline): Uncertain significance (1 of 4 stars; one submission).

Conditions:
Catecholaminergic polymorphic ventricular tachycardia 1. Also called: VENTRICULAR TACHYCARDIA, CATECHOLAMINERGIC POLYMORPHIC, 1, WITH OR WITHOUT ATRIAL DYSFUNCTION AND/OR DILATED CARDIOMYOPATHY; RYR2-Related Catecholaminergic Polymorphic Ventricular Tachycardia; VENTRICULAR TACHYCARDIA, STRESS-INDUCED POLYMORPHIC 1. Identifiers: Orphanet 3286, MedGen C1631597, MONDO:0011484, OMIM 604772.

Submission:

Labcorp Genetics (formerly Invitae), Labcorp
Classification: Uncertain significance for Catecholaminergic polymorphic ventricular tachycardia 1. Last evaluated: 2021-08-13. Review status: criteria provided, single submitter. Criteria: Invitae Variant Classification Sherloc (09022015). Collection method: clinical testing. Allele origin: germline.
Comment: In summary, the available evidence is currently insufficient to determine the role of this variant in disease. Therefore, it has been classified as a Variant of Uncertain Significance. Algorithms developed to predict the effect of missense changes on protein structure and function are either unavailable or do not agree on the potential impact of this missense change (SIFT: "Tolerated"; PolyPhen-2: "Possibly Damaging"; Align-GVGD: "Class C0"). This variant has not been reported in the literature in individuals affected with CASQ2-related conditions. This variant is not present in population databases (ExAC no frequency). This sequence change replaces phenylalanine with leucine at codon 327 of the CASQ2 protein (p.Phe327Leu). The phenylalanine residue is highly conserved and there is a small physicochemical difference between phenylalanine and leucine.

NM_001232.4(CASQ2):c.981C>A (p.Phe327Leu)

Gene: CASQ2 (calsequestrin 2; minus strand). Cytogenetic location: 1p13.1.
Variant type: single nucleotide variant.
Coding change: c.981C>A on transcript NM_001232.4 (MANE Select); coding-DNA position 981, C replaced by A.
Protein change: p.Phe327Leu; replaces phenylalanine 327 with leucine.
Molecular consequence: missense variant.
Genome position (GRCh38, 1-based): chr1:115,702,954, G>T on the plus strand (C>A on the coding strand, the complement: CASQ2 is on the minus strand). VCF-style: chr1-115702954-G-T. GRCh37 (hg19) VCF-style: chr1-116245575-G-T.
Other names: short protein forms F327L.
Identifiers: ClinVar variation 1482204 (VCV001482204.7), dbSNP rs2101053786, ClinGen allele CA341766637.